The following is an entry in ClinVar:

NM_000900.5(MGP):c.77T>C (p.Met26Thr)

Gene: MGP (matrix Gla protein; minus strand). Cytogenetic location: 12p12.3.
Variant type: single nucleotide variant.
Coding change: c.77T>C on transcript NM_000900.5 (MANE Select); coding-DNA position 77, T replaced by C.
Protein change: p.Met26Thr; replaces methionine 26 with threonine.
Molecular consequence: missense variant.
Genome position (GRCh38, 1-based): chr12:14,884,230, A>G on the plus strand (T>C on the coding strand, the complement: MGP is on the minus strand). VCF-style: chr12-14884230-A-G. GRCh37 (hg19) VCF-style: chr12-15037164-A-G.
Other names: c.152T>C, p.Met51Thr (NM_001190839.3); short protein forms M26T, M51T.
Identifiers: ClinVar variation 882668 (VCV000882668.8), dbSNP rs754107566, ClinGen allele CA6465198.
Genomic context (GRCh38, chr12:14,884,230, plus strand): 5'-TTAATGCAAGGGATTTGAATAAAGAAGTTAAATATTCACTTACTAAGTTCATAAGATTCC[A>G]TGCTTTCATGTGATTCTGAAATTAAAAAAAAAAGATTCATTATATCAATATTTATCCATG-3'
Protein context (NP_000891.2, residues 16-36): VTLCYESHES[Met26Thr]ESYELNPFIN

ClinVar aggregate classification (germline): Uncertain significance. Review status: criteria provided, multiple submitters, no conflicts (2 of 4 stars). 2 submissions from 2 submitters: Uncertain significance (2). Last evaluated 2024-09-20.

Conditions:
Keutel syndrome (KTLS). Identifiers: Orphanet 85202, MedGen C1855607, MONDO:0009495, OMIM 245150.

Allele frequency attached by ClinVar (database versions not stated): ExAC 0.00001; gnomAD exomes 0.00001; TOPMed 0.00001.
gnomAD v4.1: 13 of 1,450,646 alleles (0.0009%); highest among the groups gnomAD compares: Non-Finnish European, 0.0011%; no homozygotes.

Submissions (2):

Labcorp Genetics (formerly Invitae), Labcorp
Classification: Uncertain significance. Last evaluated: 2024-09-20. Review status: criteria provided, single submitter. Criteria: Invitae Variant Classification Sherloc (09022015). Collection method: clinical testing. Allele origin: germline.
Comment: This sequence change replaces methionine, which is neutral and non-polar, with threonine, which is neutral and polar, at codon 26 of the MGP protein (p.Met26Thr). The frequency data for this variant in the population databases is considered unreliable, as metrics indicate poor data quality at this position in the gnomAD database. This variant has not been reported in the literature in individuals affected with MGP-related conditions. ClinVar contains an entry for this variant (Variation ID: 882668). An algorithm developed to predict the effect of missense changes on protein structure and function (PolyPhen-2) suggests that this variant is likely to be tolerated. In summary, the available evidence is currently insufficient to determine the role of this variant in disease. Therefore, it has been classified as a Variant of Uncertain Significance.

Illumina Laboratory Services, Illumina
Classification: Uncertain significance for Keutel syndrome. Last evaluated: 2018-01-13. Review status: criteria provided, single submitter. Criteria: ICSL Variant Classification Criteria 13 December 2019. Collection method: clinical testing. Allele origin: germline.